The following is an entry in ClinVar:

ClinVar aggregate classification (germline): Pathogenic (1 of 4 stars; one submission).

Submission:

Labcorp Genetics (formerly Invitae), Labcorp
Classification: Pathogenic. Last evaluated: 2023-06-15. Review status: criteria provided, single submitter. Criteria: Invitae Variant Classification Sherloc (09022015). Collection method: clinical testing. Allele origin: germline.
Comment: For these reasons, this variant has been classified as Pathogenic. This premature translational stop signal has been observed in individual(s) with achromatopsia (PMID: 32869108). This variant is not present in population databases (gnomAD no frequency). This sequence change creates a premature translational stop signal (p.Gly15*) in the CNGB3 gene. It is expected to result in an absent or disrupted protein product. Loss-of-function variants in CNGB3 are known to be pathogenic (PMID: 28795510).

Literature cited by the submitters: PubMed 32869108; PubMed 28795510.

NM_019098.5(CNGB3):c.41_42dup (p.Gly15Ter)

Gene: CNGB3 (cyclic nucleotide gated channel subunit beta 3; minus strand). Cytogenetic location: 8q21.3.
Variant type: Microsatellite.
Coding change: c.41_42dup on transcript NM_019098.5 (MANE Select); coding-DNA positions 41 to 42, 2 bases duplicated (TA; older notation c.41_42dupTA).
Protein change: p.Gly15Ter; replaces glycine 15 with a stop codon.
Molecular consequence: nonsense.
Genome position (GRCh38, 1-based): chr8:86,743,586-86,743,587, TA duplicated on the plus strand (TA on the coding strand, the reverse complement: CNGB3 is on the minus strand); duplicating any 2 consecutive bases within chr8:86,743,586-86,743,589 gives the same sequence; the c. name uses the placement nearest the transcript's 3' end. VCF-style (leftmost placement, unchanged base first): chr8-86743585-C-CTA. GRCh37 (hg19) VCF-style: chr8-87755813-C-CTA.
Other names: short protein forms G15*.
Identifiers: ClinVar variation 1450605 (VCV001450605.6), dbSNP rs2131687580, ClinGen allele CA2580617186.